The following is an entry in ClinVar:

ClinVar aggregate classification (germline): Pathogenic/Likely pathogenic. Review status: criteria provided, multiple submitters, no conflicts (2 of 4 stars). 3 submissions from 3 submitters: Pathogenic (1); Likely pathogenic (1). 1 of the submissions does not count toward it. Last evaluated 2023-03-25.

Conditions:
Hereditary cancer-predisposing syndrome. Also called: Neoplastic Syndromes, Hereditary; Tumor predisposition; Hereditary Cancer Syndrome; Hereditary neoplastic syndrome. Identifiers: Orphanet 140162, MedGen C0027672, MeSH D009386, MONDO:0015356.
Tuberous sclerosis syndrome (TSC). Also called: Tuberous Sclerosis Complex; Tuberous sclerosis. Identifiers: Orphanet 805, MedGen C0041341, MONDO:0001734.

Submissions (3):

GeneDx
Classification: Likely pathogenic. Last evaluated: 2023-03-25. Review status: criteria provided, single submitter. Criteria: GeneDx Variant Classification Process June 2021. Collection method: clinical testing. Allele origin: germline. Affected: yes.
Comment: Canonical splice site variant expected to result in aberrant splicing, although in the absence of functional evidence the actual effect of this sequence change is unknown.; Deletions involving coding exons of this gene are a known mechanism of disease (HGMD); Not observed at significant frequency in large population cohorts (gnomAD); Also known as IVS15+1G>A; This variant is associated with the following publications: (PMID: 17304050)

Ambry Genetics
Classification: Pathogenic for Hereditary cancer-predisposing syndrome. Last evaluated: 2019-09-24. Review status: criteria provided, single submitter. Criteria: Ambry Variant Classification Scheme 2023. Collection method: clinical testing. Allele origin: germline.
Comment: The c.1716+1G>A intronic pathogenic mutation results from a G to A substitution one nucleotides after coding exon 15 of the TSC2 gene. Alterations that disrupt the canonical splice site are expected to cause aberrant splicing, resulting in an abnormal protein or a transcript that is subject to nonsense-mediated mRNA decay. As such, this alteration is classified as a disease-causing mutation.

Tuberous sclerosis database (TSC2)
No classification provided. Condition: TSC. Review status: no classification provided. Criteria: Tuberous Sclerosis Database Assertion Criteria 2015. Collection method: curation. Allele origin: germline. Affected: yes. Not counted in ClinVar's aggregate classification.

NM_000548.5(TSC2):c.1716+1G>A

Gene: TSC2 (TSC complex subunit 2; plus strand). Cytogenetic location: 16p13.3.
Variant type: single nucleotide variant.
Coding change: c.1716+1G>A on transcript NM_000548.5 (MANE Select); the canonical splice donor site of the intron after coding-DNA position 1716, G replaced by A.
Molecular consequence: splice donor variant.
Genome position (GRCh38, 1-based): chr16:2,065,636, G>A. VCF-style: chr16-2065636-G-A. GRCh37 (hg19) VCF-style: chr16-2115637-G-A.
Other names: c.1116+1G>A (NM_001406688.1, NM_001406686.1, NM_001406680.1 and 6 more transcripts); c.1659+1G>A (NM_001406677.1); c.1569+1G>A (NM_001406675.1, NM_001406676.1, NM_001318829.2 and 1 more transcripts); c.1749+1G>A (NM_001318832.2); c.372+1G>A (NM_001406693.1, NM_001406689.1, NM_001406690.1 and 6 more transcripts); c.1806+1G>A (NM_001406667.1, NM_001406668.1); c.114+1G>A (NM_001406698.1); c.1716+1G>A (NM_001114382.3, NM_001406663.1, NM_001406664.1 and 6 more transcripts); and 3 more.
Identifiers: ClinVar variation 50147 (VCV000050147.5), dbSNP rs45517190, ClinGen allele CA015487.
Genomic context (GRCh38, chr16:2,065,636, plus strand): 5'-TACTCGGCCTCCTTGGAGGATGTGAAGACAGCCGTCCTGGGGCTTCTGGTCATCCTTCAG[G>A]TGGGTGTTCTGCACGAGGCCTCTGCTCCCGGGGCGCGCATGGCTAGCGTCCACCAGCTGC-3'